The following is an entry in ClinVar:

ClinVar aggregate classification (germline): Benign. Review status: criteria provided, multiple submitters, no conflicts (2 of 4 stars). 3 submissions from 3 submitters: Benign (2). 1 of the submissions does not count toward it. Last evaluated 2019-08-26.

Conditions:
VPS33A-related disorder. Also called: VPS33A-related condition.

Allele frequency attached by ClinVar (database versions not stated): 1000 Genomes Project 0.02456; 1000 Genomes Project 30x 0.02733; gnomAD 0.04112 and 0.04191; TOPMed 0.04460.
gnomAD v4.1: 6,294 of 152,310 alleles (4.1%); highest among the groups gnomAD compares: Admixed American, 8.4%; 192 homozygotes.

Submissions (3):

GeneDx
Classification: Benign. Last evaluated: 2019-08-26. Review status: criteria provided, single submitter. Criteria: GeneDx Variant Classification Process June 2021. Collection method: clinical testing. Allele origin: germline. Affected: yes.

Breakthrough Genomics
Classification: Benign. Review status: criteria provided, single submitter. Criteria: ACMG Guidelines, 2015. Collection method: not provided. Allele origin: germline. Inheritance: Autosomal recessive inheritance. Affected: yes.

PreventionGenetics, part of Exact Sciences
Classification: Benign for VPS33A-related condition. Last evaluated: 2019-03-05. Review status: no assertion criteria provided. Collection method: clinical testing. Allele origin: germline. Not counted in ClinVar's aggregate classification.
Comment: This variant is classified as benign based on ACMG/AMP sequence variant interpretation guidelines (Richards et al. 2015 PMID: 25741868, with internal and published modifications).

NM_022916.6(VPS33A):c.102+276A>G

Gene: VPS33A (VPS33A core subunit of CORVET and HOPS complexes; minus strand). Cytogenetic location: 12q24.31.
Variant type: single nucleotide variant.
Coding change: c.102+276A>G on transcript NM_022916.6 (MANE Select); 276 bases into the intron after coding-DNA position 102, A replaced by G.
Molecular consequence: intron variant. On other transcripts: synonymous variant (1).
Genome position (GRCh38, 1-based): chr12:122,266,031, T>C on the plus strand (A>G on the coding strand, the complement: VPS33A is on the minus strand). VCF-style: chr12-122266031-T-C. GRCh37 (hg19) VCF-style: chr12-122750578-T-C.
Other names: c.18A>G, p.Ser6= (NM_001351019.2); c.102+276A>G (NM_001351020.2, NM_001351021.2); c.69+46A>G (NM_001351018.2); c.18A>G (NM_001351019.1).
Identifiers: ClinVar variation 1267405 (VCV001267405.5), dbSNP rs143536384, ClinGen allele CA13698268.